The following is an entry in ClinVar:

ClinVar aggregate classification (germline): Uncertain significance (1 of 4 stars; one submission).

Allele frequency attached by ClinVar (database versions not stated): gnomAD exomes below 0.00001.

Submission:

Labcorp Genetics (formerly Invitae), Labcorp
Classification: Uncertain significance. Last evaluated: 2024-01-22. Review status: criteria provided, single submitter. Criteria: Invitae Variant Classification Sherloc (09022015). Collection method: clinical testing. Allele origin: germline.
Comment: This sequence change replaces methionine, which is neutral and non-polar, with threonine, which is neutral and polar, at codon 1511 of the RERE protein (p.Met1511Thr). This variant is not present in population databases (gnomAD no frequency). This variant has not been reported in the literature in individuals affected with RERE-related conditions. Advanced modeling of protein sequence and biophysical properties (such as structural, functional, and spatial information, amino acid conservation, physicochemical variation, residue mobility, and thermodynamic stability) has been performed at Invitae for this missense variant, however the output from this modeling did not meet the statistical confidence thresholds required to predict the impact of this variant on RERE protein function. In summary, the available evidence is currently insufficient to determine the role of this variant in disease. Therefore, it has been classified as a Variant of Uncertain Significance.

NM_001042681.2(RERE):c.4532T>C (p.Met1511Thr)

Gene: RERE (arginine-glutamic acid dipeptide repeats; minus strand). Cytogenetic location: 1p36.23.
Variant type: single nucleotide variant.
Coding change: c.4532T>C on transcript NM_001042681.2 (MANE Select); coding-DNA position 4532, T replaced by C.
Protein change: p.Met1511Thr; replaces methionine 1511 with threonine.
Molecular consequence: missense variant.
Genome position (GRCh38, 1-based): chr1:8,355,554, A>G on the plus strand (T>C on the coding strand, the complement: RERE is on the minus strand). VCF-style: chr1-8355554-A-G. GRCh37 (hg19) VCF-style: chr1-8415614-A-G.
Other names: c.2870T>C, p.Met957Thr (NM_001042682.2); c.4532T>C, p.Met1511Thr (NM_012102.4); short protein forms M957T, M1511T.
Identifiers: ClinVar variation 2709404 (VCV002709404.3), dbSNP rs2522676726, ClinGen allele CA338168283.